The following is an entry in ClinVar:

NM_000397.4(CYBB):c.43A>T (p.Ile15Phe)

Genes: CYBB (cytochrome b-245 beta chain; plus strand), LOC130068093 (ATAC-STARR-seq lymphoblastoid active region 29519; plus strand). Cytogenetic location: Xp21.1.
Variant type: single nucleotide variant.
Coding change: c.43A>T on transcript NM_000397.4 (MANE Select); coding-DNA position 43, A replaced by T.
Protein change: p.Ile15Phe; replaces isoleucine 15 with phenylalanine.
Molecular consequence: missense variant.
Genome position (GRCh38, 1-based): chrX:37,780,120, A>T. VCF-style: chrX-37780120-A-T. GRCh37 (hg19) VCF-style: chrX-37639373-A-T.
Other names: short protein forms I15F.
Identifiers: ClinVar variation 1020228 (VCV001020228.9), dbSNP rs781809179, ClinGen allele CA412972056.

ClinVar aggregate classification (germline): Uncertain significance. Review status: criteria provided, single submitter (1 of 4 stars). 2 submissions from 2 submitters: Uncertain significance (1). 1 of the submissions does not count toward it. Last evaluated 2024-11-04.

Conditions:
Granulomatous disease, chronic, X-linked. Also called: CYTOCHROME b-NEGATIVE GRANULOMATOUS DISEASE, CHRONIC, X-LINKED; GRANULOMATOUS DISEASE, CHRONIC, X-LINKED, SOMATIC MOSAIC. Identifiers: Orphanet 379, MedGen C1844376, MONDO:0010600, OMIM 306400.
Chronic granulomatous disease. Identifiers: Orphanet 379, MedGen C0018203, MONDO:0018305.

Allele frequency attached by ClinVar (database versions not stated): TOPMed below 0.00001; gnomAD exomes 0.00001.
gnomAD v4.1: 10 of 1,199,720 alleles (0.00083%); highest among the groups gnomAD compares: Admixed American, 0.0044%; no homozygotes.

Submissions (2):

Labcorp Genetics (formerly Invitae), Labcorp
Classification: Uncertain significance for Granulomatous disease, chronic, X-linked. Last evaluated: 2024-11-04. Review status: criteria provided, single submitter. Criteria: Invitae Variant Classification Sherloc (09022015). Collection method: clinical testing. Allele origin: germline.
Comment: This sequence change replaces isoleucine, which is neutral and non-polar, with phenylalanine, which is neutral and non-polar, at codon 15 of the CYBB protein (p.Ile15Phe). This variant is present in population databases (no rsID available, gnomAD 0.2%). This variant has not been reported in the literature in individuals affected with CYBB-related conditions. ClinVar contains an entry for this variant (Variation ID: 1020228). An algorithm developed to predict the effect of missense changes on protein structure and function (PolyPhen-2) suggests that this variant is likely to be tolerated. In summary, the available evidence is currently insufficient to determine the role of this variant in disease. Therefore, it has been classified as a Variant of Uncertain Significance.

Natera, Inc.
Classification: Uncertain significance for Chronic granulomatous disease. Last evaluated: 2020-07-15. Review status: no assertion criteria provided. Collection method: clinical testing. Allele origin: germline. Not counted in ClinVar's aggregate classification.